The following is an entry in ClinVar:

NM_015346.4(ZFYVE26):c.2909C>G (p.Pro970Arg)

Gene: ZFYVE26 (zinc finger FYVE-type containing 26; minus strand). Cytogenetic location: 14q24.1.
Variant type: single nucleotide variant.
Coding change: c.2909C>G on transcript NM_015346.4 (MANE Select); coding-DNA position 2909, C replaced by G.
Protein change: p.Pro970Arg; replaces proline 970 with arginine.
Molecular consequence: missense variant.
Genome position (GRCh38, 1-based): chr14:67,789,445, G>C on the plus strand (C>G on the coding strand, the complement: ZFYVE26 is on the minus strand). VCF-style: chr14-67789445-G-C. GRCh37 (hg19) VCF-style: chr14-68256162-G-C.
Other names: short protein forms P970R.
Identifiers: ClinVar variation 1437763 (VCV001437763.6), dbSNP rs769364228, ClinGen allele CA390173411.
Genomic context (GRCh38, chr14:67,789,445, plus strand): 5'-TGCTTGCAGGTTTTCCAGAGCTGGCACTGAGAGCAAGCTAGGTCAAATGCAGCCATGGCA[G>C]GGGGACTGAGGTCTTCCAGAACCTCTCTCAGGGGAGCAGTGGGCTCCACTAGAGCCGTGC-3'
Protein context (NP_056161.2, residues 960-980): LREVLEDLSP[Pro970Arg]AMAAFDLACS

ClinVar aggregate classification (germline): Uncertain significance (1 of 4 stars; one submission).

Conditions:
Spastic paraplegia. Identifiers: MedGen C0037772, HP:0001258.

gnomAD v4.1: 13 of 1,614,206 alleles (0.00081%); highest among the groups gnomAD compares: Non-Finnish European, 0.001%; no homozygotes.

Submission:

Labcorp Genetics (formerly Invitae), Labcorp
Classification: Uncertain significance for Spastic paraplegia. Last evaluated: 2022-10-24. Review status: criteria provided, single submitter. Criteria: Invitae Variant Classification Sherloc (09022015). Collection method: clinical testing. Allele origin: germline.
Comment: ClinVar contains an entry for this variant (Variation ID: 1437763). In summary, the available evidence is currently insufficient to determine the role of this variant in disease. Therefore, it has been classified as a Variant of Uncertain Significance. Algorithms developed to predict the effect of missense changes on protein structure and function are either unavailable or do not agree on the potential impact of this missense change (SIFT: "Tolerated"; PolyPhen-2: "Possibly Damaging"; Align-GVGD: "Class C0"). This variant has not been reported in the literature in individuals affected with ZFYVE26-related conditions. This variant is present in population databases (no rsID available, gnomAD 0.0009%). This sequence change replaces proline, which is neutral and non-polar, with arginine, which is basic and polar, at codon 970 of the ZFYVE26 protein (p.Pro970Arg).